The following is an entry in ClinVar:

ClinVar aggregate classification (germline): Uncertain significance (1 of 4 stars; one submission).

Conditions:
Developmental and epileptic encephalopathy, 23 (DEE23). Also called: Epileptic encephalopathy, early infantile, 23. Identifiers: Orphanet 411986, MedGen C4014492, MONDO:0014371, OMIM 615859.

Allele frequency attached by ClinVar (database versions not stated): gnomAD exomes 0.00001; TOPMed 0.00001.
gnomAD v4.1: 3 of 1,607,218 alleles (0.00019%); highest among the groups gnomAD compares: Non-Finnish European, 0.00026%; no homozygotes.

Submission:

Labcorp Genetics (formerly Invitae), Labcorp
Classification: Uncertain significance for Developmental and epileptic encephalopathy, 23. Last evaluated: 2019-05-31. Review status: criteria provided, single submitter. Criteria: Invitae Variant Classification Sherloc (09022015). Collection method: clinical testing. Allele origin: germline.
Comment: In summary, the available evidence is currently insufficient to determine the role of this variant in disease. Therefore, it has been classified as a Variant of Uncertain Significance. Algorithms developed to predict the effect of sequence changes on RNA splicing suggest that this variant may disrupt the consensus splice site, but this prediction has not been confirmed by published transcriptional studies. This variant has not been reported in the literature in individuals with DOCK7-related conditions. This variant is not present in population databases (ExAC no frequency). This sequence change falls in intron 12 of the DOCK7 gene. It does not directly change the encoded amino acid sequence of the DOCK7 protein.

NM_001367561.1(DOCK7):c.1426-6A>G

Gene: DOCK7 (dedicator of cytokinesis 7; minus strand). Cytogenetic location: 1p31.3.
Variant type: single nucleotide variant.
Coding change: c.1426-6A>G on transcript NM_001367561.1 (MANE Select); 6 bases into the intron before coding-DNA position 1426, A replaced by G.
Molecular consequence: intron variant.
Genome position (GRCh38, 1-based): chr1:62,619,999, T>C on the plus strand (A>G on the coding strand, the complement: DOCK7 is on the minus strand). VCF-style: chr1-62619999-T-C. GRCh37 (hg19) VCF-style: chr1-63085670-T-C.
Other names: c.1426-6A>G (NM_001272001.2, NM_001272000.2, NM_033407.4 and 3 more transcripts).
Identifiers: ClinVar variation 860834 (VCV000860834.10), dbSNP rs1008996898, ClinGen allele CA23768927.